The following is an entry in ClinVar:

NM_002227.4(JAK1):c.539A>C (p.Gln180Pro)

Gene: JAK1 (Janus kinase 1; minus strand). Cytogenetic location: 1p31.3.
Variant type: single nucleotide variant.
Coding change: c.539A>C on transcript NM_002227.4 (MANE Select); coding-DNA position 539, A replaced by C.
Protein change: p.Gln180Pro; replaces glutamine 180 with proline.
Molecular consequence: missense variant.
Genome position (GRCh38, 1-based): chr1:64,869,419, T>G on the plus strand (A>C on the coding strand, the complement: JAK1 is on the minus strand). VCF-style: chr1-64869419-T-G. GRCh37 (hg19) VCF-style: chr1-65335102-T-G.
Other names: c.539A>C, p.Gln180Pro (NM_001320923.2, NM_001321852.2, NM_001321853.2 and 4 more transcripts); c.539A>C (NM_002227.2); short protein forms Q180P.
Identifiers: ClinVar variation 2756075 (VCV002756075.4), dbSNP rs2522966031, ClinGen allele CA340676997.
Genomic context (GRCh38, chr1:64,869,419, plus strand): 5'-TAGTGTGAGATGGCCAGGACAGCCATCCCTAGACACTCGTTCTCAATATCATGTCCATCC[T>G]GCTCGGTCTTGGGGTCTCGAATAGGAGCCAGGCATTTCACCAAATCATACTGTCCCTAGG-3'
Protein context (NP_002218.2, residues 170-190): LAPIRDPKTE[Gln180Pro]DGHDIENECL

ClinVar aggregate classification (germline): Uncertain significance. Review status: criteria provided, multiple submitters, no conflicts (2 of 4 stars). 2 submissions from 2 submitters: Uncertain significance (2). Last evaluated 2024-01-30.

Submissions (2):

GeneDx
Classification: Uncertain significance. Last evaluated: 2024-01-30. Review status: criteria provided, single submitter. Criteria: GeneDx Variant Classification Process June 2021. Collection method: clinical testing. Allele origin: germline. Affected: yes.
Comment: Not observed at significant frequency in large population cohorts (gnomAD); In silico analysis supports that this missense variant does not alter protein structure/function; Has not been previously published as pathogenic or benign to our knowledge

Labcorp Genetics (formerly Invitae), Labcorp
Classification: Uncertain significance. Last evaluated: 2023-09-30. Review status: criteria provided, single submitter. Criteria: Invitae Variant Classification Sherloc (09022015). Collection method: clinical testing. Allele origin: germline.
Comment: Advanced modeling of protein sequence and biophysical properties (such as structural, functional, and spatial information, amino acid conservation, physicochemical variation, residue mobility, and thermodynamic stability) performed at Invitae indicates that this missense variant is not expected to disrupt JAK1 protein function. In summary, the available evidence is currently insufficient to determine the role of this variant in disease. Therefore, it has been classified as a Variant of Uncertain Significance. This variant has not been reported in the literature in individuals affected with JAK1-related conditions. This sequence change replaces glutamine, which is neutral and polar, with proline, which is neutral and non-polar, at codon 180 of the JAK1 protein (p.Gln180Pro). This variant is not present in population databases (gnomAD no frequency).